The following is an entry in ClinVar:

NM_005956.4(MTHFD1):c.1090_1127+63del

Gene: MTHFD1 (methylenetetrahydrofolate dehydrogenase, cyclohydrolase and formyltetrahydrofolate synthetase 1; plus strand). Cytogenetic location: 14q23.3.
Variant type: Deletion.
Coding change: c.1090_1127+63del on transcript NM_005956.4 (MANE Select); coding-DNA position 1090 through 63 bases into the intron after coding-DNA position 1127, 101 bases deleted.
Molecular consequence: splice donor variant.
Genome position (GRCh38, 1-based): chr14:64,426,155-64,426,255, 101 bases deleted. GRCh37 (hg19): chr14:64,892,873-64,892,973.
Other names: c.1090_1127+63del (NM_001364837.1).
Identifiers: ClinVar variation 2125486 (VCV002125486.4), dbSNP rs2078116884, ClinGen allele CA7226115.

ClinVar aggregate classification (germline): Likely pathogenic (1 of 4 stars; one submission).

Allele frequency attached by ClinVar (database versions not stated): gnomAD exomes below 0.00001; gnomAD 0.00001.

Submission:

Labcorp Genetics (formerly Invitae), Labcorp
Classification: Likely pathogenic. Last evaluated: 2025-09-05. Review status: criteria provided, single submitter. Criteria: Invitae Variant Classification Sherloc (09022015). Collection method: clinical testing. Allele origin: germline.
Comment: This variant results in the deletion of part of exon 11 (c.1090_1127+63del) of the MTHFD1 gene. It is expected to disrupt RNA splicing. Variants that disrupt the donor or acceptor splice site typically lead to a loss of protein function (PMID: 16199547), and loss-of-function variants in MTHFD1 are known to be pathogenic (PMID: 21813566, 25633902). The frequency data for this variant in the population databases is considered unreliable, as metrics indicate poor data quality at this position in the gnomAD database. This variant has not been reported in the literature in individuals affected with MTHFD1-related conditions. Algorithms developed to predict the effect of sequence changes on RNA splicing suggest that this variant may disrupt the consensus splice site. In summary, the currently available evidence indicates that the variant is pathogenic, but additional data are needed to prove that conclusively. Therefore, this variant has been classified as Likely Pathogenic.

Literature cited by the submitters: PubMed 16199547; PubMed 21813566; PubMed 25633902.